The following is an entry in ClinVar:

ClinVar aggregate classification (germline): Uncertain significance (1 of 4 stars; one submission).

Submission:

GeneDx
Classification: Uncertain significance. Last evaluated: 2023-12-20. Review status: criteria provided, single submitter. Criteria: GeneDx Variant Classification Process June 2021. Collection method: clinical testing. Allele origin: germline. Affected: yes.
Comment: Not observed at significant frequency in large population cohorts (gnomAD); In silico analysis supports that this missense variant does not alter protein structure/function; Has not been previously published as pathogenic or benign to our knowledge

NM_000052.7(ATP7A):c.184C>A (p.Leu62Ile)

Gene: ATP7A (ATPase copper transporting alpha; plus strand). Cytogenetic location: Xq21.1.
Variant type: single nucleotide variant.
Coding change: c.184C>A on transcript NM_000052.7 (MANE Select); coding-DNA position 184, C replaced by A.
Protein change: p.Leu62Ile; replaces leucine 62 with isoleucine.
Molecular consequence: missense variant.
Genome position (GRCh38, 1-based): chrX:77,988,305, C>A. VCF-style: chrX-77988305-C-A. GRCh37 (hg19) VCF-style: chrX-77243801-C-A.
Other names: c.184C>A, p.Leu62Ile (NM_001282224.2); short protein forms L62I.
Identifiers: ClinVar variation 3369985 (VCV003369985.1).